The following is an entry in ClinVar:

ClinVar aggregate classification (germline): Benign. Review status: criteria provided, multiple submitters, no conflicts (2 of 4 stars). 4 submissions from 4 submitters: Benign (3). 1 of the submissions does not count toward it. Last evaluated 2024-07-15.

Allele frequency attached by ClinVar (database versions not stated): 1000 Genomes Project 0.61142; gnomAD 0.71407 and 0.71634; gnomAD exomes 0.79511 and 0.86010; 1000 Genomes Project 30x 0.60556; ESP Exome Variant Server 0.72359; ExAC 0.79151; TOPMed 0.69994.
gnomAD v4.1: 1,362,567 of 1,611,742 alleles (85%); highest among the groups gnomAD compares: Non-Finnish European, 90%; 590,112 homozygotes.

Submissions (4):

Unidad de Genómica Garrahan, Hospital de Pediatría Garrahan
Classification: Benign. Last evaluated: 2024-07-15. Review status: criteria provided, single submitter. Criteria: ACMG Guidelines, 2015. Collection method: clinical testing. Allele origin: germline. Affected: no. Observed: 90 variant alleles.
Comment: This variant is classified as Benign based on local population frequency. This variant was detected in 97% of patients studied in a panel designed for Epileptic and Developmental Encephalopathy and Progressive Myoclonus Epilepsy. Number of patients: 90. Only high quality variants are reported.

GeneDx
Classification: Benign. Last evaluated: 2018-06-14. Review status: criteria provided, single submitter. Criteria: GeneDx Variant Classification (06012015). Collection method: clinical testing. Allele origin: germline. Affected: yes.
Comment: This variant is considered likely benign or benign based on one or more of the following criteria: it is a conservative change, it occurs at a poorly conserved position in the protein, it is predicted to be benign by multiple in silico algorithms, and/or has population frequency not consistent with disease.

Breakthrough Genomics
Classification: Benign. Review status: criteria provided, single submitter. Criteria: ACMG Guidelines, 2015. Collection method: not provided. Allele origin: germline. Inheritance: Autosomal dominant inheritance. Affected: yes.

Genetic Services Laboratory, University of Chicago
Classification: Likely benign. Review status: no assertion criteria provided. Collection method: clinical testing. Allele origin: germline. Inheritance: Autosomal dominant inheritance. Not counted in ClinVar's aggregate classification.
Comment: Likely benign based on allele frequency in 1000 Genomes Project or ESP global frequency and its presence in a patient with a rare or unrelated disease phenotype. NOT Sanger confirmed

NM_001130438.3(SPTAN1):c.6280-27C>T

Gene: SPTAN1 (spectrin alpha, non-erythrocytic 1; plus strand). Cytogenetic location: 9q34.11.
Variant type: single nucleotide variant.
Coding change: c.6280-27C>T on transcript NM_001130438.3 (MANE Select); 27 bases into the intron before coding-DNA position 6280, C replaced by T.
Molecular consequence: intron variant.
Genome position (GRCh38, 1-based): chr9:128,626,364, C>T. VCF-style: chr9-128626364-C-T. GRCh37 (hg19) VCF-style: chr9-131388643-C-T.
Other names: c.6280-27C>T (NM_001363759.2); c.6265-27C>T (NM_003127.4); c.6220-27C>T (NM_001363765.2); c.6205-27C>T (NM_001195532.2).
Identifiers: ClinVar variation 160021 (VCV000160021.9), dbSNP rs3737308, ClinGen allele CA173588.